The following is an entry in ClinVar:

NM_001371194.2(SEMA4D):c.979G>A (p.Ala327Thr)

Gene: SEMA4D (semaphorin 4D; minus strand). Cytogenetic location: 9q22.2.
Variant type: single nucleotide variant.
Coding change: c.979G>A on transcript NM_001371194.2 (MANE Select); coding-DNA position 979, G replaced by A.
Protein change: p.Ala327Thr; replaces alanine 327 with threonine.
Molecular consequence: missense variant. On other transcripts: non-coding transcript variant (6).
Genome position (GRCh38, 1-based): chr9:89,388,764, C>T on the plus strand (G>A on the coding strand, the complement: SEMA4D is on the minus strand). VCF-style: chr9-89388764-C-T. GRCh37 (hg19) VCF-style: chr9-92003679-C-T.
Other names: c.979G>A, p.Ala327Thr (NM_001142287.2, NM_001371195.1, NM_001371196.1 and 7 more transcripts); short protein forms A327T.
Identifiers: ClinVar variation 3060636 (VCV003060636.2), dbSNP rs11526468, ClinGen allele CA5118507.

ClinVar aggregate classification (germline): Benign (0 of 4 stars; one submission).

Conditions:
SEMA4D-related disorder. Also called: SEMA4D-related condition.

Allele frequency attached by ClinVar (database versions not stated): ESP Exome Variant Server 0.21252; TOPMed 0.21396; 1000 Genomes Project 30x 0.22189; 1000 Genomes Project 0.22524; gnomAD 0.22564; ExAC 0.27145; gnomAD exomes 0.28912.
gnomAD v4.1: 453,870 of 1,607,020 alleles (28%); highest among the groups gnomAD compares: East Asian, 36%; 66,595 homozygotes.

Submission:

PreventionGenetics, part of Exact Sciences
Classification: Benign for SEMA4D-related condition. Last evaluated: 2019-10-21. Review status: no assertion criteria provided. Collection method: clinical testing. Allele origin: germline.
Comment: This variant is classified as benign based on ACMG/AMP sequence variant interpretation guidelines (Richards et al. 2015 PMID: 25741868, with internal and published modifications).